The following is an entry in ClinVar:

NM_139017.7(IL31RA):c.606+10G>T

Gene: IL31RA (interleukin 31 receptor A; plus strand). Cytogenetic location: 5q11.2.
Variant type: single nucleotide variant.
Coding change: c.606+10G>T on transcript NM_139017.7 (MANE Select); 10 bases into the intron after coding-DNA position 606, G replaced by T.
Molecular consequence: intron variant.
Genome position (GRCh38, 1-based): chr5:55,883,205, G>T. VCF-style: chr5-55883205-G-T. GRCh37 (hg19) VCF-style: chr5-55179033-G-T.
Other names: c.549+10G>T (NM_001242638.2, NM_001242636.2); c.606+10G>T (NM_001242637.2, NM_001297570.3); c.180+10G>T (NM_001242639.2).
Identifiers: ClinVar variation 3053875 (VCV003053875.2), dbSNP rs183184063, ClinGen allele CA3270527.

ClinVar aggregate classification (germline): Likely benign (0 of 4 stars; one submission).

Conditions:
IL31RA-related disorder. Also called: IL31RA-related condition.

Allele frequency attached by ClinVar (database versions not stated): gnomAD exomes 0.00010; ExAC 0.00026; ESP Exome Variant Server 0.00038; 1000 Genomes Project 0.00100; gnomAD 0.00115; TOPMed 0.00119; 1000 Genomes Project 30x 0.00125.
gnomAD v4.1: 316 of 1,606,320 alleles (0.02%); highest among the groups gnomAD compares: African/African-American, 0.41%; no homozygotes.

Submission:

PreventionGenetics, part of Exact Sciences
Classification: Likely benign for IL31RA-related condition. Last evaluated: 2019-09-17. Review status: no assertion criteria provided. Collection method: clinical testing. Allele origin: germline.
Comment: This variant is classified as likely benign based on ACMG/AMP sequence variant interpretation guidelines (Richards et al. 2015 PMID: 25741868, with internal and published modifications).